The following is an entry in ClinVar:

NM_206933.4(USH2A):c.14413G>T (p.Val4805Leu)

Gene: USH2A (usherin; minus strand). Cytogenetic location: 1q41.
Variant type: single nucleotide variant.
Coding change: c.14413G>T on transcript NM_206933.4 (MANE Select); coding-DNA position 14413, G replaced by T.
Protein change: p.Val4805Leu; replaces valine 4805 with leucine.
Molecular consequence: missense variant.
Genome position (GRCh38, 1-based): chr1:215,648,697, C>A on the plus strand (G>T on the coding strand, the complement: USH2A is on the minus strand). VCF-style: chr1-215648697-C-A. GRCh37 (hg19) VCF-style: chr1-215822039-C-A.
Other names: short protein forms V4805L.
Identifiers: ClinVar variation 1004535 (VCV001004535.10), dbSNP rs147532612, ClinGen allele CA344833926.

ClinVar aggregate classification (germline): Uncertain significance (1 of 4 stars; one submission).

Submission:

Labcorp Genetics (formerly Invitae), Labcorp
Classification: Uncertain significance. Last evaluated: 2022-05-18. Review status: criteria provided, single submitter. Criteria: Invitae Variant Classification Sherloc (09022015). Collection method: clinical testing. Allele origin: germline.
Comment: In summary, the available evidence is currently insufficient to determine the role of this variant in disease. Therefore, it has been classified as a Variant of Uncertain Significance. Algorithms developed to predict the effect of missense changes on protein structure and function output the following: SIFT: "Deleterious"; PolyPhen-2: "Benign"; Align-GVGD: "Class C0". The leucine amino acid residue is found in multiple mammalian species, which suggests that this missense change does not adversely affect protein function. ClinVar contains an entry for this variant (Variation ID: 1004535). This variant has not been reported in the literature in individuals affected with USH2A-related conditions. This variant is not present in population databases (gnomAD no frequency). This sequence change replaces valine, which is neutral and non-polar, with leucine, which is neutral and non-polar, at codon 4805 of the USH2A protein (p.Val4805Leu).